The following is an entry in ClinVar:

ClinVar aggregate classification (germline): Uncertain significance (1 of 4 stars; one submission).

Conditions:
Inborn genetic diseases. Identifiers: MedGen C0950123, MeSH D030342.

gnomAD v4.1: 2 of 1,164,919 alleles (0.00017%); highest among the groups gnomAD compares: African/African-American, 0.0036%; no homozygotes.

Submission:

Ambry Genetics
Classification: Uncertain significance for Inborn genetic diseases. Last evaluated: 2025-11-05. Review status: criteria provided, single submitter. Criteria: Ambry Variant Classification Scheme 2023. Collection method: clinical testing. Allele origin: germline.
Comment: The c.1602G>T (p.M534I) alteration is located in exon 13 (coding exon 13) of the CHM gene. This alteration results from a G to T substitution at nucleotide position 1602, causing the methionine (M) at amino acid position 534 to be replaced by an isoleucine (I). Based on data from gnomAD, the T allele has an overall frequency of 0.005% (1/21871) total alleles studied. The highest observed frequency was 0.017% (1/5892) of African alleles. Based on insufficient or conflicting evidence, the clinical significance of this alteration remains unclear.

NM_000390.4(CHM):c.1602G>T (p.Met534Ile)

Gene: CHM (CHM Rab escort protein; minus strand). Cytogenetic location: Xq21.2.
Variant type: single nucleotide variant.
Coding change: c.1602G>T on transcript NM_000390.4 (MANE Select); coding-DNA position 1602, G replaced by T.
Protein change: p.Met534Ile; replaces methionine 534 with isoleucine.
Molecular consequence: missense variant.
Genome position (GRCh38, 1-based): chrX:85,878,972, C>A on the plus strand (G>T on the coding strand, the complement: CHM is on the minus strand). VCF-style: chrX-85878972-C-A. GRCh37 (hg19) VCF-style: chrX-85133977-C-A.
Other names: c.1158G>T, p.Met386Ile (NM_001320959.1, NM_001362517.1, NM_001362518.2 and 1 more transcripts); short protein forms M386I, M534I.
Identifiers: ClinVar variation 4614977 (VCV004614977.1).